The following is an entry in ClinVar:

ClinVar aggregate classification (germline): Likely benign (0 of 4 stars; one submission).

Conditions:
SHANK1-related disorder. Also called: SHANK1-related condition.

Allele frequency attached by ClinVar (database versions not stated): ESP Exome Variant Server 0.00008; TOPMed 0.00031; 1000 Genomes Project 30x 0.00062; 1000 Genomes Project 0.00080.
gnomAD v4.1: 171 of 1,614,078 alleles (0.011%); highest among the groups gnomAD compares: African/African-American, 0.055%; 1 homozygote.

Submission:

PreventionGenetics, part of Exact Sciences
Classification: Likely benign for SHANK1-related condition. Last evaluated: 2019-04-11. Review status: no assertion criteria provided. Collection method: clinical testing. Allele origin: germline.
Comment: This variant is classified as likely benign based on ACMG/AMP sequence variant interpretation guidelines (Richards et al. 2015 PMID: 25741868, with internal and published modifications).

NM_016148.5(SHANK1):c.2280G>A (p.Pro760=)

Gene: SHANK1 (SH3 and multiple ankyrin repeat domains 1; minus strand). Cytogenetic location: 19q13.33.
Variant type: single nucleotide variant.
Coding change: c.2280G>A on transcript NM_016148.5 (MANE Select); coding-DNA position 2280, G replaced by A.
Protein change: p.Pro760=; no amino-acid change (proline 760 retained).
Molecular consequence: synonymous variant.
Genome position (GRCh38, 1-based): chr19:50,687,951, C>T on the plus strand (G>A on the coding strand, the complement: SHANK1 is on the minus strand). VCF-style: chr19-50687951-C-T. GRCh37 (hg19) VCF-style: chr19-51191208-C-T.
Identifiers: ClinVar variation 3047717 (VCV003047717.2), dbSNP rs201942719, ClinGen allele CA9601579.
Genomic context (GRCh38, chr19:50,687,951, plus strand): 5'-TGGGGTGGCTGCGAGAGTGGCCGCAGGAGCACCTTTCTTGTGCACTGCCTCATCCATGTC[C>T]GGGTGCCTGGTGACCATCACCACCTTCACCATCAGCGTGTTGCCCCCTTGGCGGATCATG-3'
Protein context (NP_057232.2, residues 750-770): MVKVVMVTRH[Pro760=]DMDEAVHKKA